The following is an entry in ClinVar:

NM_007294.4(BRCA1):c.3586A>G (p.Thr1196Ala)

Genes: BRCA1 (BRCA1 DNA repair associated; minus strand), LOC126862571 (BRD4-independent group 4 enhancer GRCh37_chr17:41243136-41244335; plus strand). Cytogenetic location: 17q21.31.
Variant type: single nucleotide variant.
Coding change: c.3586A>G on transcript NM_007294.4 (MANE Select); coding-DNA position 3586, A replaced by G.
Protein change: p.Thr1196Ala; replaces threonine 1196 with alanine.
Molecular consequence: missense variant. On other transcripts: intron variant (135).
Genome position (GRCh38, 1-based): chr17:43,091,945, T>C on the plus strand (A>G on the coding strand, the complement: BRCA1 is on the minus strand). VCF-style: chr17-43091945-T-C. GRCh37 (hg19) VCF-style: chr17-41243962-T-C.
Other names: c.3463A>G, p.Thr1155Ala (NM_001407674.1, NM_001407675.1, NM_001407676.1 and 19 more transcripts); c.3586A>G, p.Thr1196Ala (NM_001407684.1, NM_001407854.1, NM_001407858.1 and 30 more transcripts); c.3460A>G, p.Thr1154Ala (NM_001407685.1, NM_001407686.1, NM_001407687.1 and 11 more transcripts); c.3445A>G, p.Thr1149Ala (NM_001407692.1, NM_001407694.1, NM_001407695.1 and 29 more transcripts); c.3442A>G, p.Thr1148Ala (NM_001407740.1, NM_001407741.1, NM_001407742.1 and 20 more transcripts); c.3373A>G, p.Thr1125Ala (NM_001407853.1, NM_001407894.1, NM_001407895.1 and 9 more transcripts); c.3583A>G, p.Thr1195Ala (NM_001407860.1, NM_001407861.1, NM_001407587.1 and 22 more transcripts); c.3385A>G, p.Thr1129Ala (NM_001407862.1); and 41 more; short protein forms T1028A, T1068A, T1069A, T1084A, T1085A, T1107A, T1108A, T1125A.
Identifiers: ClinVar variation 2663340 (VCV002663340.2), dbSNP rs1340335862, ClinGen allele CA10594791.

ClinVar aggregate classification (germline): Uncertain significance. Review status: criteria provided, multiple submitters, no conflicts (2 of 4 stars). 2 submissions from 2 submitters: Uncertain significance (2). Last evaluated 2025-10-15.

Conditions:
Hereditary breast ovarian cancer syndrome. Also called: Hereditary breast and ovarian cancer; Hereditary breast and ovarian cancer syndrome; Hereditary breast and ovarian cancer syndrome (HBOC); Hereditary breast and/or ovarian cancer syndrome; Breast and ovarian cancer; BRCA1- and BRCA2-Associated Hereditary Breast and Ovarian Cancer. Identifiers: Orphanet 145, MedGen C0677776, MeSH D061325, MONDO:0003582. Disease mechanism: loss of function.

Allele frequency attached by ClinVar (database versions not stated): gnomAD exomes below 0.00001.
gnomAD v4.1: 1 of 1,614,098 alleles (0.000062%); highest among the groups gnomAD compares: South Asian, 0.0011%; no homozygotes.

Submissions (2):

Labcorp Genetics (formerly Invitae), Labcorp
Classification: Uncertain significance for Hereditary breast ovarian cancer syndrome. Last evaluated: 2025-10-15. Review status: criteria provided, single submitter. Criteria: Invitae Variant Classification Sherloc (09022015). Collection method: clinical testing. Allele origin: germline.
Comment: This sequence change replaces threonine, which is neutral and polar, with alanine, which is neutral and non-polar, at codon 1196 of the BRCA1 protein (p.Thr1196Ala). This variant is not present in population databases (gnomAD no frequency). This variant has not been reported in the literature in individuals affected with BRCA1-related conditions. ClinVar contains an entry for this variant (Variation ID: 2663340). Invitae Evidence Modeling of protein sequence and biophysical properties (such as structural, functional, and spatial information, amino acid conservation, physicochemical variation, residue mobility, and thermodynamic stability) indicates that this missense variant is not expected to disrupt BRCA1 protein function with a negative predictive value of 80%. In summary, the available evidence is currently insufficient to determine the role of this variant in disease. Therefore, it has been classified as a Variant of Uncertain Significance.

GeneDx
Classification: Uncertain significance. Last evaluated: 2023-04-27. Review status: criteria provided, single submitter. Criteria: GeneDx Variant Classification Process June 2021. Collection method: clinical testing. Allele origin: germline. Affected: yes.
Comment: Not observed at significant frequency in large population cohorts (gnomAD); In silico analysis supports that this missense variant has a deleterious effect on protein structure/function; Has not been previously published as pathogenic or benign to our knowledge; Also known as 3705A>G